The following is an entry in ClinVar:

ClinVar aggregate classification (germline): Uncertain significance (1 of 4 stars; one submission).

Submission:

Women's Health and Genetics/Laboratory Corporation of America, LabCorp
Classification: Uncertain significance. Last evaluated: 2022-04-05. Review status: criteria provided, single submitter. Criteria: LabCorp Variant Classification Summary - May 2015. Collection method: clinical testing. Allele origin: germline.
Comment: Variant summary: HEPACAM c.1153C>T (p.Pro385Ser) results in a non-conservative amino acid change in the encoded protein sequence. Three of five in-silico tools predict a damaging effect of the variant on protein function. The variant was absent in 76876 control chromosomes. The available data on variant occurrences in the general population are insufficient to allow any conclusion about variant significance. To our knowledge, no occurrence of c.1153C>T in individuals affected with Megalencephalic Leukoencephalopathy With Subcortical Cysts 2b, Remitting, With Or Without Mental Retardation and no experimental evidence demonstrating its impact on protein function have been reported. No clinical diagnostic laboratories have submitted clinical-significance assessments for this variant to ClinVar after 2014. Based on the evidence outlined above, the variant was classified as uncertain significance.

NM_152722.5(HEPACAM):c.1153C>T (p.Pro385Ser)

Gene: HEPACAM (hepatic and glial cell adhesion molecule; minus strand). Cytogenetic location: 11q24.2.
Variant type: single nucleotide variant.
Coding change: c.1153C>T on transcript NM_152722.5 (MANE Select); coding-DNA position 1153, C replaced by T.
Protein change: p.Pro385Ser; replaces proline 385 with serine.
Molecular consequence: missense variant.
Genome position (GRCh38, 1-based): chr11:124,921,236, G>A on the plus strand (C>T on the coding strand, the complement: HEPACAM is on the minus strand). VCF-style: chr11-124921236-G-A. GRCh37 (hg19) VCF-style: chr11-124791132-G-A.
Other names: short protein forms P385S.
Identifiers: ClinVar variation 1683404 (VCV001683404.1), dbSNP rs1947132037, ClinGen allele CA383137368.